The following is an entry in ClinVar:

NC_000008.10:g.(?_6335095)_(6338417_?)del

Gene: MCPH1 (microcephalin 1; plus strand). Cytogenetic location: 8p23.1.
Variant type: Deletion.
Identifiers: ClinVar variation 3245603 (VCV003245603.1).

ClinVar aggregate classification (germline): Uncertain significance (1 of 4 stars; one submission).

Submission:

Labcorp Genetics (formerly Invitae), Labcorp
Classification: Uncertain significance. Last evaluated: 2023-12-11. Review status: criteria provided, single submitter. Criteria: Invitae Variant Classification Sherloc (09022015). Collection method: clinical testing. Allele origin: unknown.
Comment: This variant is a gross deletion of the genomic region encompassing exon(s) 10-11 of the MCPH1 gene. This variant would be expected to be in-frame, preserving the integrity of the reading frame. This variant has not been reported in the literature in individuals affected with MCPH1-related conditions. Experimental studies and prediction algorithms are not available or were not evaluated, and the functional significance of this variant is currently unknown. In summary, the available evidence is currently insufficient to determine the role of this variant in disease. Therefore, it has been classified as a Variant of Uncertain Significance.